The following is an entry in ClinVar:

ClinVar aggregate classification (germline): Pathogenic (3 of 4 stars; one submission).

Conditions:
ATM-related cancer predisposition. Also called: ATM-related cancer susceptibility. Identifiers: MedGen CN377759, MONDO:0700270.

Submission:

ClinGen Hereditary Breast, Ovarian and Pancreatic Cancer Variant Curation Expert Panel, ClinGen
Classification: Pathogenic for ATM-related cancer predisposition. Last evaluated: 2024-11-26. Review status: reviewed by expert panel. Criteria: ClinGen HBOP ACMG Specifications ATM V1.3.0. Collection method: curation. Allele origin: germline. Inheritance: Autosomal dominant inheritance.
Comment: The c.6958del (p.Asp2320Metfs*11) variant in ATM is a frameshift variant in a biologically-relevant-exon predicted to cause a premature stop codon leading to nonsense mediated decay in a gene in which loss-of-function is an established disease mechanism. This alteration results in a termination codon upstream of the most C-terminus pathogenic alteration (ATM p.Arg3047*), as classified by the HBOP VCEP, and is expected to be more deleterious. This variant has been detected in at least 1 individual with Ataxia-Telangiectasia (PMID: 26896183). This variant is absent from gnomAD v2.1.1. In summary, this variant meets criteria to be classified as pathogenic for autosomal dominant ATM-related cancer predisposition and autosomal recessive ataxia-telangiectasia based on the ACMG/AMP criteria applied, as specified by the HBOP VCEP. (PVS1, PM5_Supporting, PM3_supporting, PM2_supporting)

NM_000051.4(ATM):c.6958del (p.Asp2320fs)

Genes: ATM (ATM serine/threonine kinase; plus strand), C11orf65 (chromosome 11 open reading frame 65; minus strand). Cytogenetic location: 11q22.3.
Variant type: Deletion.
Coding change: c.6958del on transcript NM_000051.4 (MANE Select); coding-DNA position 6958, one base deleted (G; older notation c.6958delG).
Protein change: p.Asp2320fs; shifts the reading frame from aspartic acid 2320.
Molecular consequence: frameshift variant. On other transcripts: intron variant (2).
Genome position (GRCh38, 1-based): chr11:108,326,208, G deleted; the last of 2 consecutive G bases (chr11:108,326,207-108,326,208); deleting either gives the same sequence. VCF-style (leftmost placement, unchanged base first): chr11-108326206-TG-T. GRCh37 (hg19) VCF-style: chr11-108196933-TG-T.
Other names: NM_000051.4:c.6958del; c.6958del, p.Asp2320fs (NM_001351834.2); c.641-17136del (NM_001330368.2); c.*38+9013del (NM_001351110.2); short protein forms D2320fs.
Identifiers: ClinVar variation 3572872 (VCV003572872.1).
Genomic context (GRCh38, chr11:108,326,206, plus strand): 5'-TCTGGGCAAAAAAGGAGCAGAGTCTTGCCCTGAGTATTCTCAAGCAAATGATCAAGAAGT[TG>T]GATGCCAGCTGTGCAGCGGTTTGTTTTTTTTATTGGCTGGATTAGTGTTTTACTGTTATT-3'